The following is an entry in ClinVar:

ClinVar aggregate classification (germline): Uncertain significance (1 of 4 stars; one submission).

Conditions:
Ehlers-Danlos syndrome, classic type, 1 (EDSCL1). Also called: EHLERS-DANLOS SYNDROME, GRAVIS TYPE; EHLERS-DANLOS SYNDROME, SEVERE CLASSIC TYPE; Ehlers-Danlos syndrome, type 1; Ehlers-Danlos Syndrome, Classic Type, COL5A1-Related; EDS I. Identifiers: MedGen C0268335, MONDO:0019567, OMIM 130000.

Submission:

Labcorp Genetics (formerly Invitae), Labcorp
Classification: Uncertain significance for Ehlers-Danlos syndrome, classic type, 1. Last evaluated: 2025-04-10. Review status: criteria provided, single submitter. Criteria: Invitae Variant Classification Sherloc (09022015). Collection method: clinical testing. Allele origin: germline.
Comment: This sequence change replaces aspartic acid, which is acidic and polar, with glutamic acid, which is acidic and polar, at codon 418 of the COL5A1 protein (p.Asp418Glu). This variant is not present in population databases (gnomAD no frequency). This variant has not been reported in the literature in individuals affected with COL5A1-related conditions. Invitae Evidence Modeling of protein sequence and biophysical properties (such as structural, functional, and spatial information, amino acid conservation, physicochemical variation, residue mobility, and thermodynamic stability) indicates that this missense variant is not expected to disrupt COL5A1 protein function with a negative predictive value of 95%. In summary, the available evidence is currently insufficient to determine the role of this variant in disease. Therefore, it has been classified as a Variant of Uncertain Significance.

NM_000093.5(COL5A1):c.1254C>G (p.Asp418Glu)

Gene: COL5A1 (collagen type V alpha 1 chain; plus strand). Cytogenetic location: 9q34.3.
Variant type: single nucleotide variant.
Coding change: c.1254C>G on transcript NM_000093.5 (MANE Select); coding-DNA position 1254, C replaced by G.
Protein change: p.Asp418Glu; replaces aspartic acid 418 with glutamic acid.
Molecular consequence: missense variant.
Genome position (GRCh38, 1-based): chr9:134,731,585, C>G. VCF-style: chr9-134731585-C-G. GRCh37 (hg19) VCF-style: chr9-137623431-C-G.
Other names: c.1254C>G, p.Asp418Glu (NM_001278074.1); short protein forms D418E.
Identifiers: ClinVar variation 4801882 (VCV004801882.1).